The following is an entry in ClinVar:

ClinVar aggregate classification (germline): Likely pathogenic (1 of 4 stars; one submission).

Submission:

GeneDx
Classification: Likely pathogenic. Last evaluated: 2022-01-16. Review status: criteria provided, single submitter. Criteria: GeneDx Variant Classification Process June 2021. Collection method: clinical testing. Allele origin: germline. Affected: yes.
Comment: Not observed at significant frequency in large population cohorts (gnomAD); In silico analysis supports that this missense variant has a deleterious effect on protein structure/function; Has not been previously published as pathogenic or benign to our knowledge; This variant is associated with the following publications: (PMID: 27535533)

NM_001291415.2(KDM6A):c.521G>A (p.Gly174Glu)

Gene: KDM6A (lysine demethylase 6A; plus strand). Cytogenetic location: Xp11.3.
Variant type: single nucleotide variant.
Coding change: c.521G>A on transcript NM_001291415.2 (MANE Select); coding-DNA position 521, G replaced by A.
Protein change: p.Gly174Glu; replaces glycine 174 with glutamic acid.
Molecular consequence: missense variant. On other transcripts: non-coding transcript variant (1), intron variant (1).
Genome position (GRCh38, 1-based): chrX:45,020,687, G>A. VCF-style: chrX-45020687-G-A. GRCh37 (hg19) VCF-style: chrX-44879932-G-A.
Other names: c.521G>A, p.Gly174Glu (NM_001291416.2, NM_001291417.2, NM_001291418.2 and 1 more transcripts); c.-190+9668G>A (NM_001291421.2); short protein forms G174E.
Identifiers: ClinVar variation 1329607 (VCV001329607.3), dbSNP rs2147667381, ClinGen allele CA413022900.